The following is an entry in ClinVar:

ClinVar aggregate classification (germline): Conflicting classifications of pathogenicity. Review status: criteria provided, conflicting classifications (1 of 4 stars). 9 submissions from 9 submitters: Likely pathogenic (5); Uncertain significance (4). Last evaluated 2025-03-11.

Conditions:
Muscular dystrophy-dystroglycanopathy (congenital with brain and eye anomalies), type A3. Also called: Muscular dystrophy-dystroglycanopathy (congenital with brain and eye anomalies), type A, 3; Congenital muscular dystrophy-dystroglycanopathy with brain and eye anomalies, type A3; WALKER-WARBURG SYNDROME OR MUSCLE-EYE-BRAIN DISEASE, POMGNT1-RELATED. Identifiers: MedGen C3151519, MONDO:0009667, OMIM 253280.
Retinitis pigmentosa 76 (RP76). Identifiers: MedGen C4310704, MONDO:0014929, OMIM 617123.
Autosomal recessive limb-girdle muscular dystrophy type 2O. Also called: MUSCULAR DYSTROPHY-DYSTROGLYCANOPATHY (LIMB-GIRDLE), TYPE C, 3; MUSCULAR DYSTROPHY-DYSTROGLYCANOPATHY, LIMB-GIRDLE, POMGNT1-RELATED; Limb-Girdle Muscular Dystrophy Type 3C. Identifiers: Orphanet 206564, MedGen C3150417, MONDO:0013161, OMIM 613157.
Muscular dystrophy-dystroglycanopathy (congenital with impaired intellectual development), type B, 3. Also called: Muscular dystrophy-dystroglycanopathy (congenital with intellectual disability), type B3; MUSCULAR DYSTROPHY, CONGENITAL, POMGNT1-RELATED. Identifiers: MedGen C3150412, MONDO:0013155, OMIM 613151.
Muscular dystrophy-dystroglycanopathy. Also called: Congenital muscular dystrophy due to dystroglycanopathy. Identifiers: Orphanet 370953, MedGen C5679911, MONDO:0018276.
Muscle eye brain disease (MEB). Also called: Santavuori congenital muscular dystrophy. Identifiers: Orphanet 588, Orphanet 899, MedGen C0457133, MONDO:0018939.
Intellectual disability. Also called: Intellectual functioning disability; Intellectual developmental disorder; intellectual disabilities. Identifiers: MedGen C3714756, MeSH D008607, MONDO:0001071, HP:0001249.
Muscular dystrophy-dystroglycanopathy type B6 (MDDGB6). Also called: MUSCULAR DYSTROPHY-DYSTROGLYCANOPATHY (CONGENITAL WITH IMPAIRED INTELLECTUAL DEVELOPMENT), TYPE B, 6; MUSCULAR DYSTROPHY, CONGENITAL, LARGE-RELATED; MUSCULAR DYSTROPHY, CONGENITAL, TYPE 1D. Identifiers: MedGen C1837229, MONDO:0012138, OMIM 608840.
Myopathy caused by variation in POMGNT1. Identifiers: MedGen CN305639, MONDO:0700068.

Allele frequency attached by ClinVar (database versions not stated): ExAC 0.00001; gnomAD 0.00001; gnomAD exomes 0.00001.
gnomAD v4.1: 16 of 1,613,610 alleles (0.00099%); highest among the groups gnomAD compares: African/African-American, 0.0013%; no homozygotes.

Submissions (9):

Myriad Genetics, Inc.
Classification: Likely pathogenic for Myopathy caused by variation in POMGNT1. Last evaluated: 2025-03-11. Review status: criteria provided, single submitter. Criteria: Myriad Autosomal Dominant, Autosomal Recessive and X-Linked Classification Criteria (2023). Collection method: clinical testing. Allele origin: unknown.
Comment: NM_017739.3(POMGNT1):c.1100G>A(R367H) is a missense variant classified as likely pathogenic in the context of POMGNT1-related disorders. R367H has been observed in cases with relevant disease (PMID: 27159402, 27159402, 17878207, 19067344, 36964972). Relevant functional assessments of this variant are not available in the literature. R367H has been observed in referenced population frequency databases. In summary, NM_017739.3(POMGNT1):c.1100G>A(R367H) is a missense variant that has internal structural support for pathogenicity and has been observed more frequently in cases with the relevant disease than in healthy populations. Please note: this variant was assessed in the context of healthy population screening.

GeneDx
Classification: Uncertain significance. Last evaluated: 2025-01-12. Review status: criteria provided, single submitter. Criteria: GeneDx Variant Classification Process June 2021. Collection method: clinical testing. Allele origin: germline. Affected: yes.
Comment: In silico analysis supports that this missense variant has a deleterious effect on protein structure/function; Not observed at significant frequency in large population cohorts (gnomAD); This variant is associated with the following publications: (PMID: 25525159, 24878448, 34426522, 24282183, 23352163, 36964972, 31964843, 17878207)

Labcorp Genetics (formerly Invitae), Labcorp
Classification: Uncertain significance for Autosomal recessive limb-girdle muscular dystrophy type 2O; Muscular dystrophy-dystroglycanopathy (congenital with impaired intellectual development), type B, 3. Last evaluated: 2024-12-02. Review status: criteria provided, single submitter. Criteria: Invitae Variant Classification Sherloc (09022015). Collection method: clinical testing. Allele origin: germline.
Comment: This sequence change replaces arginine, which is basic and polar, with histidine, which is basic and polar, at codon 367 of the POMGNT1 protein (p.Arg367His). This variant is present in population databases (rs762972459, gnomAD 0.003%). This missense change has been observed in individual(s) with POMGNT1-related conditions (PMID: 17878207, 36964972). ClinVar contains an entry for this variant (Variation ID: 997802). Invitae Evidence Modeling of protein sequence and biophysical properties (such as structural, functional, and spatial information, amino acid conservation, physicochemical variation, residue mobility, and thermodynamic stability) has been performed for this missense variant. However, the output from this modeling did not meet the statistical confidence thresholds required to predict the impact of this variant on POMGNT1 protein function. This variant disrupts the p.Arg367 amino acid residue in POMGNT1. Other variant(s) that disrupt this residue have been determined to be pathogenic (internal data). This suggests that this residue is clinically significant, and that variants that disrupt this residue are likely to be disease-causing. In summary, the available evidence is currently insufficient to determine the role of this variant in disease. Therefore, it has been classified as a Variant of Uncertain Significance.

Natera, Inc.
Classification: Likely pathogenic for Muscle-eye-brain disease. Last evaluated: 2024-11-15. Review status: criteria provided, single submitter. Criteria: Natera Variant Classification Schema (03/2026). Collection method: clinical testing. Allele origin: germline.
Comment: The c.1100G>A variant in POMGNT1 is a missense variant predicted to cause substitution of arginine to histidine at amino acid 367. This variant is rare in the general population with a frequency below the threshold expected for the associated phenotype(s). This variant has been observed in one or more individuals affected with the associated recessive disease, as either homozygous or compound heterozygous with a second variant (PMID: 17878207, 27159402, 36964972). Computational prediction algorithms indicate this variant is likely to affect gene or protein function. Given the available evidence, this variant is classified as Likely Pathogenic.

Fulgent Genetics
Classification: Likely pathogenic for Muscular dystrophy-dystroglycanopathy (congenital with brain and eye anomalies), type A3; Muscular dystrophy-dystroglycanopathy (congenital with impaired intellectual development), type B, 3; Autosomal recessive limb-girdle muscular dystrophy type 2O; Retinitis pigmentosa 76. Last evaluated: 2024-03-29. Review status: criteria provided, single submitter. Criteria: ACMG Guidelines, 2015. Collection method: clinical testing. Allele origin: germline.

Neuberg Centre For Genomic Medicine, NCGM
Classification: Uncertain significance for Muscular dystrophy-dystroglycanopathy type B6. Last evaluated: 2023-02-14. Review status: criteria provided, single submitter. Criteria: ACMG Guidelines, 2015. Collection method: clinical testing. Allele origin: germline. Inheritance: Autosomal recessive inheritance. Affected: yes.
Comment: The missense c.1100G>A(p.Arg367His) variant in POMGNT1 gene has been reported in compound heterozygous state in an individual affected with muscular dystrophies (Godfrey C, et. al., 2007). The variant is reported with an allele frequency of 0.001% in the gnomAD exomes database and is novel (not in any individuals) in 1000 Genomes database. This variant has been reported to the ClinVar database as Uncertain Significance/ Likely pathogenic. The amino acid change p.Arg367His in POMGNT1 is predicted as conserved by GERP++ and PhyloP across 100 vertebrates. The amino acid Arg at position 367 is changed to a His changing protein sequence and it might alter its composition and physico-chemical properties. Functional studies are required to prove pathogenicity of the variant. For these reasons, this variant has been classified as Variant of Uncertain Significance (VUS).

Broad Center for Mendelian Genomics, Broad Institute of MIT and Harvard
Classification: Uncertain significance for Muscular dystrophy-dystroglycanopathy. Last evaluated: 2023-01-24. Review status: criteria provided, single submitter. Criteria: ACMG Guidelines, 2015. Collection method: curation. Allele origin: germline. Inheritance: Autosomal recessive inheritance.
Comment: The p.Arg367His variant in POMGNT1 has been previously reported in one individual, in the compound heterozygous state, with muscular dystrophy-dystroglycanopathy (PMID: 17878207), and has been identified in 0.003% (4/128608) of European (non-Finnish) chromosomes by the Genome Aggregation Database (gnomAD; dbSNP ID: rs762972459). Although this variant has been seen in the general population in a heterozygous state, its frequency is low enough to be consistent with a recessive carrier frequency. This variant has also been reported in ClinVar (Variation ID#:997802) as likely pathogenic by Kasturba Medical College (Manipal, Manipal Academy of Higher Education) and Institute of Human Genetics (University of Leipzig Medical Center), and as a variant of uncertain significance by GeneDx, Myriad Women‚Äôs Health Inc., and Invitae. Computational prediction tools and conservation analyses suggest that this variant may impact the protein, though this information is not predictive enough to determine pathogenicity. In summary, the clinical significance of the p.Arg367His variant is uncertain. ACMG/AMP Criteria applied: PM2_Supporting, PM3_Supporting, PP3 (Richards 2015).

Institute of Human Genetics, University of Leipzig Medical Center
Classification: Likely pathogenic for Intellectual disability. Last evaluated: 2021-02-25. Review status: criteria provided, single submitter. Criteria: ACMG Guidelines, 2015. Collection method: clinical testing. Allele origin: paternal. Inheritance: Autosomal recessive inheritance. Affected: yes. Observed: 1 variant allele, 1 compound heterozygote.
Comment: The variant was reviewed according to current ACMG recommendations and classified as Likely Pathogenic (criteria: PM1_Moderate, PM2_Supporting, PM3_Moderate, PP3_Supporting). This variant was identified in a compound heterozygous state with variant NM_017739.3(POMGNT1):c.1539+1G>A (Variation ID: 56582).

Kasturba Medical College, Manipal, Kasturba Medical College, Manipal, Manipal Academy of Higher Education, Manipal, India
Classification: Likely pathogenic for Muscular dystrophy-dystroglycanopathy (congenital with brain and eye anomalies), type A3. Review status: criteria provided, single submitter. Criteria: ACMG Guidelines, 2015. Collection method: clinical testing. Allele origin: inherited. Inheritance: Autosomal recessive inheritance. Affected: yes. Observed: 1 compound heterozygote.

Literature cited by the submitters: PubMed 17878207 (cited by 4 submitters); PubMed 19067344 (cited by Myriad Genetics, Inc.); PubMed 27159402 (cited by Myriad Genetics, Inc. and Natera, Inc.); PubMed 36964972 (cited by 3 submitters).

NM_017739.4(POMGNT1):c.1100G>A (p.Arg367His)

Genes: POMGNT1 (protein O-linked mannose N-acetylglucosaminyltransferase 1 (beta 1,2-); minus strand), TSPAN1 (tetraspanin 1; plus strand). Cytogenetic location: 1p34.1.
Variant type: single nucleotide variant.
Coding change: c.1100G>A on transcript NM_017739.4 (MANE Select); coding-DNA position 1100, G replaced by A.
Protein change: p.Arg367His; replaces arginine 367 with histidine.
Molecular consequence: missense variant.
Genome position (GRCh38, 1-based): chr1:46,193,315, C>T on the plus strand (G>A on the coding strand, the complement: POMGNT1 is on the minus strand). VCF-style: chr1-46193315-C-T. GRCh37 (hg19) VCF-style: chr1-46658987-C-T.
Other names: NM_017739.4(POMGNT1):c.1100G>A; p.Arg367His; c.1100G>A, p.Arg367His (NM_001243766.2, NM_001410783.1); c.1034G>A, p.Arg345His (NM_001290129.3); c.671G>A, p.Arg224His (NM_001290130.2); c.1100G>A (NM_017739.3); short protein forms R224H, R345H, R367H.
Identifiers: ClinVar variation 997802 (VCV000997802.18), dbSNP rs762972459, ClinGen allele CA833500.
Genomic context (GRCh38, chr1:46,193,315, plus strand): 5'-TAGAAGGCAGAGCCAGGTGTCTGCCCCATCCCCACTTGCCTATGCAGTACCTGAGACACG[C>T]GGGCATTCTTGATGCTGATGGGAGTATGCTGGATGCCCCTCAGACCAAACAGTGCCACCA-3'
Protein context (NP_060209.4, residues 357-377): QHTPISIKNA[Arg367His]VSQHYKASLT